The following is an entry in ClinVar:

NM_001148.6(ANK2):c.3763G>A (p.Ala1255Thr)

Gene: ANK2 (ankyrin 2; plus strand). Cytogenetic location: 4q26.
Variant type: single nucleotide variant.
Coding change: c.3763G>A on transcript NM_001148.6 (MANE Select); coding-DNA position 3763, G replaced by A.
Protein change: p.Ala1255Thr; replaces alanine 1255 with threonine.
Molecular consequence: missense variant.
Genome position (GRCh38, 1-based): chr4:113,336,748, G>A. VCF-style: chr4-113336748-G-A. GRCh37 (hg19) VCF-style: chr4-114257904-G-A.
Other names: c.3736G>A, p.Ala1246Thr (NM_001127493.3); c.3775G>A, p.Ala1259Thr (NM_001354225.2); c.3664G>A, p.Ala1222Thr (NM_001354228.2, NM_001354258.2); c.3742G>A, p.Ala1248Thr (NM_001354230.2); c.3805G>A, p.Ala1269Thr (NM_001354231.2, NM_001354242.2); c.3799G>A, p.Ala1267Thr (NM_001354232.2); c.3760G>A, p.Ala1254Thr (NM_001354235.2, NM_001354246.2, NM_001354265.2); c.3661G>A, p.Ala1221Thr (NM_001354236.2); and 31 more; short protein forms A1094T, A1127T, A1155T, A1160T, A1168T, A1180T, A1184T, A1188T.
Identifiers: ClinVar variation 3220978 (VCV003220978.1), dbSNP rs2503208061, ClinGen allele CA357938848.

ClinVar aggregate classification (germline): Uncertain significance (1 of 4 stars; one submission).

Conditions:
Cardiovascular phenotype. Identifiers: MedGen CN230736.

Submission:

Ambry Genetics
Classification: Uncertain significance for Cardiovascular phenotype. Last evaluated: 2024-01-03. Review status: criteria provided, single submitter. Criteria: Ambry Variant Classification Scheme 2023. Collection method: clinical testing. Allele origin: germline.
Comment: The p.A1255T variant (also known as c.3763G>A), located in coding exon 31 of the ANK2 gene, results from a G to A substitution at nucleotide position 3763. The alanine at codon 1255 is replaced by threonine, an amino acid with similar properties. This amino acid position is conserved. In addition, this alteration is predicted to be tolerated by in silico analysis. Since supporting evidence is limited at this time, the clinical significance of this alteration remains unclear.